The following is an entry in ClinVar:

NM_176787.5(PIGN):c.47T>C (p.Phe16Ser)

Gene: PIGN (phosphatidylinositol glycan anchor biosynthesis class N; minus strand). Cytogenetic location: 18q21.33.
Variant type: single nucleotide variant.
Coding change: c.47T>C on transcript NM_176787.5 (MANE Select); coding-DNA position 47, T replaced by C.
Protein change: p.Phe16Ser; replaces phenylalanine 16 with serine.
Molecular consequence: missense variant.
Genome position (GRCh38, 1-based): chr18:62,161,307, A>G on the plus strand (T>C on the coding strand, the complement: PIGN is on the minus strand). VCF-style: chr18-62161307-A-G. GRCh37 (hg19) VCF-style: chr18-59828540-A-G.
Other names: c.47T>C, p.Phe16Ser (NM_012327.6); short protein forms F16S.
Identifiers: ClinVar variation 539546 (VCV000539546.6), dbSNP rs933930437, ClinGen allele CA301697900.

ClinVar aggregate classification (germline): Uncertain significance (1 of 4 stars; one submission).

Conditions:
Multiple congenital anomalies-hypotonia-seizures syndrome 1 (MCAHS1). Also called: PIGN-CDG; Congenital disorder of glycosylation due to PIGN deficiency; GLYCOSYLPHOSPHATIDYLINOSITOL BIOSYNTHESIS DEFECT 3. Identifiers: Orphanet 280633, MedGen C3279775, MONDO:0013563, OMIM 614080.

Allele frequency attached by ClinVar (database versions not stated): gnomAD 0.00001; gnomAD exomes 0.00001; TOPMed 0.00001.
gnomAD v4.1: 4 of 1,613,554 alleles (0.00025%); highest among the groups gnomAD compares: Non-Finnish European, 0.00034%; no homozygotes.

Submission:

Labcorp Genetics (formerly Invitae), Labcorp
Classification: Uncertain significance for Multiple congenital anomalies-hypotonia-seizures syndrome 1. Last evaluated: 2021-09-01. Review status: criteria provided, single submitter. Criteria: Invitae Variant Classification Sherloc (09022015). Collection method: clinical testing. Allele origin: germline.
Comment: This sequence change replaces phenylalanine with serine at codon 16 of the PIGN protein (p.Phe16Ser). The phenylalanine residue is moderately conserved and there is a large physicochemical difference between phenylalanine and serine. This variant is not present in population databases (ExAC no frequency). This variant has not been reported in the literature in individuals affected with PIGN-related conditions. Algorithms developed to predict the effect of missense changes on protein structure and function (SIFT, PolyPhen-2, Align-GVGD) all suggest that this variant is likely to be disruptive. In summary, the available evidence is currently insufficient to determine the role of this variant in disease. Therefore, it has been classified as a Variant of Uncertain Significance.